The following is an entry in ClinVar:

NM_007294.4(BRCA1):c.5343A>C (p.Glu1781Asp)

Gene: BRCA1 (BRCA1 DNA repair associated; minus strand). Cytogenetic location: 17q21.31.
Variant type: single nucleotide variant.
Coding change: c.5343A>C on transcript NM_007294.4 (MANE Select); coding-DNA position 5343, A replaced by C.
Protein change: p.Glu1781Asp; replaces glutamic acid 1781 with aspartic acid.
Molecular consequence: missense variant. On other transcripts: non-coding transcript variant (1), intron variant (1).
Genome position (GRCh38, 1-based): chr17:43,049,184, T>G on the plus strand (A>C on the coding strand, the complement: BRCA1 is on the minus strand). VCF-style: chr17-43049184-T-G. GRCh37 (hg19) VCF-style: chr17-41201201-T-G.
Other names: c.5130A>C, p.Glu1710Asp (NM_001407571.1, NM_001407906.1, NM_001407907.1 and 12 more transcripts); c.5409A>C, p.Glu1803Asp (NM_001407581.1, NM_001407582.1); c.5406A>C, p.Glu1802Asp (NM_001407583.1, NM_001407585.1, NM_001407587.1 and 1 more transcripts); c.5403A>C, p.Glu1801Asp (NM_001407590.1, NM_001407591.1); c.5343A>C, p.Glu1781Asp (NM_001407593.1, NM_001407594.1, NM_001407596.1 and 5 more transcripts); c.5340A>C, p.Glu1780Asp (NM_001407610.1, NM_001407611.1, NM_001407612.1 and 14 more transcripts); c.5337A>C, p.Glu1779Asp (NM_001407627.1, NM_001407628.1, NM_001407629.1 and 13 more transcripts); c.5331A>C, p.Glu1777Asp (NM_001407646.1); and 73 more; short protein forms E1781D, E677D, E1802D, E1734D, E1627D, E1668D, E1709D, E1711D.
Identifiers: ClinVar variation 489730 (VCV000489730.19), dbSNP rs1555575182, ClinGen allele CA10590778.

ClinVar aggregate classification (germline): Conflicting classifications of pathogenicity. Review status: criteria provided, conflicting classifications (1 of 4 stars). 5 submissions from 5 submitters: Uncertain significance (3); Likely benign (2). Last evaluated 2024-04-12.

Conditions:
Hereditary cancer-predisposing syndrome. Also called: Tumor predisposition; Hereditary Cancer Syndrome; Hereditary neoplastic syndrome; Neoplastic Syndromes, Hereditary. Identifiers: Orphanet 140162, MedGen C0027672, MeSH D009386, MONDO:0015356.
Hereditary breast ovarian cancer syndrome. Also called: Breast and ovarian cancer; Hereditary breast and/or ovarian cancer syndrome; BRCA1- and BRCA2-Associated Hereditary Breast and Ovarian Cancer; Hereditary breast and ovarian cancer syndrome; Hereditary breast and ovarian cancer syndrome (HBOC); Hereditary breast and ovarian cancer. Identifiers: Orphanet 145, MedGen C0677776, MeSH D061325, MONDO:0003582. Disease mechanism: loss of function.
Breast-ovarian cancer, familial, susceptibility to, 1 (BROVCA1). Also called: BRCA1 Hereditary Breast and Ovarian Cancer; OVARIAN CANCER, SUSCEPTIBILITY TO. Identifiers: Orphanet 145, MedGen C2676676, MONDO:0011450, OMIM 604370. Disease mechanism: loss of function.

Allele frequency attached by ClinVar (database versions not stated): gnomAD exomes 0.00001.
gnomAD v4.1: 19 of 1,614,078 alleles (0.0012%); highest among the groups gnomAD compares: Non-Finnish European, 0.0016%; no homozygotes.

Submissions (6):

Lupski Lab, Baylor-Hopkins CMG, Baylor College of Medicine
Classification: Likely benign for Breast-ovarian cancer, familial, susceptibility to, 1. Last evaluated: 2024-04-12. Review status: criteria provided, single submitter. Criteria: Dawood et al. (medRxiv. 2024). Collection method: curation. Allele origin: germline.
Comment: Each variant was annotated with functional scores from MAVE data which was translated into functional evidence codes. All other evidence codes and combining criteria were adhered to as closely as possible based on the ClinGen VCEP (Variant Curation Expert Panel) gene-specific recommendations. See Supplemental Figure 34 of final paper (Supp Fig. 28 in preprint: doi:10.1101/2024.04.11.24305690) for a table to see which lines of evidence we did not have data for. The ClinGen VCEPs are highly regarded as the gold-standard for gene-specific variant curation and are developed after extensive evaluation of the evidence by clinical and scientific experts for the particular gene to classify genomic variants on a spectrum from pathogenic to benign using the 2015 ACMG/AMP Variant Interpretation Guidelines as a backbone (PMID: 25741868). Reclassification of these VUS variants from gnomAD or All of Us focused only on variants originally prescribed as VUS in ClinVar. To ensure reproducibility, transparency, and increased throughput, all the procedures for annotating variants and assigning evidence codes were codified using Python. All code has been made freely available and is linked in the Code Availability section and all reclassified variants with evidence codes used can be found in Tables S18-19 (preprint: doi:10.1101/2024.04.11.24305690). For the MAVE data, the clinical curation and clinical strength assignment as per the ClinGen recommendations in Brnich et al. (2020) (PMID: 31892348) for or against pathogenicity or benignity of each of these MAVE datasets utilized in this study were previously published in Fayer et al. (2021) (PMID: 34793697).In brief, for BRCA1 variants, if a variant was categorized as FUNC (functional), it was assigned BS3 evidence and no PS3 evidence, whereas if it was categorized as LOF (loss of function), the variant was assigned PS3 evidence and no BS3 evidence. Variants categorized as INT (intermediate) were left unannotated. For the BRCA1 combining criteria, greater than or equal to 1 criteria of strong benign evidence was enough to reclassify the VUS as Likely Benign. This variant GRCh38:17:43049184:T>G was assigned evidence codes ['BS3', 'BP4'] and an overall classification of Likely benign

Ambry Genetics
Classification: Likely benign for Hereditary cancer-predisposing syndrome. Last evaluated: 2022-10-27. Review status: criteria provided, single submitter. Criteria: Ambry Variant Classification Scheme 2023. Collection method: clinical testing. Allele origin: germline.

Labcorp Genetics (formerly Invitae), Labcorp
Classification: Uncertain significance for Hereditary breast ovarian cancer syndrome. Last evaluated: 2022-02-09. Review status: criteria provided, single submitter. Criteria: Invitae Variant Classification Sherloc (09022015). Collection method: clinical testing. Allele origin: germline.
Comment: This sequence change replaces glutamic acid, which is acidic and polar, with aspartic acid, which is acidic and polar, at codon 1781 of the BRCA1 protein (p.Glu1781Asp). This variant is not present in population databases (gnomAD no frequency). In summary, the available evidence is currently insufficient to determine the role of this variant in disease. Therefore, it has been classified as a Variant of Uncertain Significance. Experimental studies have shown that this missense change does not substantially affect BRCA1 function (PMID: 30209399). Advanced modeling of protein sequence and biophysical properties (such as structural, functional, and spatial information, amino acid conservation, physicochemical variation, residue mobility, and thermodynamic stability) performed at Invitae indicates that this missense variant is not expected to disrupt BRCA1 protein function. ClinVar contains an entry for this variant (Variation ID: 489730). This variant has not been reported in the literature in individuals affected with BRCA1-related conditions.

Color Diagnostics, LLC DBA Color Health
Classification: Uncertain significance for Hereditary cancer-predisposing syndrome. Last evaluated: 2021-07-19. Review status: criteria provided, single submitter. Criteria: ACMG Guidelines, 2015. Collection method: clinical testing. Allele origin: germline.
Comment: This missense variant replaces glutamic acid with aspartic acid at codon 1781 of the BRCA1 protein. Computational prediction is inconclusive regarding the impact of this variant on protein structure and function (internally defined REVEL score threshold 0.5 < inconclusive < 0.7, PMID: 27666373). To our knowledge, functional studies have not been reported for this variant. This variant has not been reported in individuals affected with hereditary cancer in the literature. This variant has not been identified in the general population by the Genome Aggregation Database (gnomAD). The available evidence is insufficient to determine the role of this variant in disease conclusively. Therefore, this variant is classified as a Variant of Uncertain Significance.

Women's Health and Genetics/Laboratory Corporation of America, LabCorp
Classification: Uncertain significance. Last evaluated: 2018-08-17. Review status: criteria provided, single submitter. Criteria: LabCorp Variant Classification Summary - May 2015. Collection method: clinical testing. Allele origin: germline.
Comment: Variant summary: BRCA1 c.5343A>C (p.Glu1781Asp) results in a conservative amino acid change located in the BRCT domain of the encoded protein sequence. Four of five in-silico tools predict a damaging effect of the variant on protein function. The variant was absent in 246218 control chromosomes (gnomAD). The available data on variant occurrences in the general population are insufficient to allow any conclusion about variant significance. To our knowledge, no occurrence of c.5343A>C in individuals affected with Hereditary Breast and Ovarian Cancer and no experimental evidence demonstrating its impact on protein function have been reported. A ClinVar submission from another clinical diagnostic laboratory (evaluation after 2014) cites the variant as "uncertain significance." Based on the evidence outlined above, the variant was classified as uncertain significance.

Brotman Baty Institute, University of Washington
No classification provided (evidence only). Condition: Breast-ovarian cancer, familial 1. Review status: no classification provided. Collection method: in vitro. Allele origin: not applicable. Functional consequence: functionally_normal. Not counted in ClinVar's aggregate classification.
ClinVar note: "not provided" was previously submitted as the classification for the variant. However, the classification appeared to be based only on an observation of functional data so it was converted to no classification on 2025-07-30.

Literature cited by the submitters: PubMed 39142283 (cited by Lupski Lab, Baylor-Hopkins CMG, Baylor College of Medicine); PubMed 34793697 (cited by Lupski Lab, Baylor-Hopkins CMG, Baylor College of Medicine); DOI 10.1101/2024.04.11.24305690 (cited by Lupski Lab, Baylor-Hopkins CMG, Baylor College of Medicine); PubMed 30209399 (cited by Ambry Genetics and Labcorp Genetics (formerly Invitae), Labcorp).